The following is an entry in ClinVar:

NM_001385012.1(NBEA):c.475C>G (p.Leu159Val)

Gene: NBEA (neurobeachin; plus strand). Cytogenetic location: 13q13.3.
Variant type: single nucleotide variant.
Coding change: c.475C>G on transcript NM_001385012.1 (MANE Select); coding-DNA position 475, C replaced by G.
Protein change: p.Leu159Val; replaces leucine 159 with valine.
Molecular consequence: missense variant.
Genome position (GRCh38, 1-based): chr13:35,041,113, C>G. VCF-style: chr13-35041113-C-G. GRCh37 (hg19) VCF-style: chr13-35615250-C-G.
Other names: c.475C>G, p.Leu159Val (NM_015678.5, NM_001379245.1); short protein forms L159V.
Identifiers: ClinVar variation 3645882 (VCV003645882.2).

ClinVar aggregate classification (germline): Uncertain significance (1 of 4 stars; one submission).

Submission:

Labcorp Genetics (formerly Invitae), Labcorp
Classification: Uncertain significance. Last evaluated: 2024-03-13. Review status: criteria provided, single submitter. Criteria: Invitae Variant Classification Sherloc (09022015). Collection method: clinical testing. Allele origin: germline.
Comment: This sequence change replaces leucine, which is neutral and non-polar, with valine, which is neutral and non-polar, at codon 159 of the NBEA protein (p.Leu159Val). This variant is not present in population databases (gnomAD no frequency). This variant has not been reported in the literature in individuals affected with NBEA-related conditions. Advanced modeling of protein sequence and biophysical properties (such as structural, functional, and spatial information, amino acid conservation, physicochemical variation, residue mobility, and thermodynamic stability) performed at Invitae indicates that this missense variant is expected to disrupt NBEA protein function with a positive predictive value of 80%. Algorithms developed to predict the effect of sequence changes on RNA splicing suggest that this variant may create or strengthen a splice site. In summary, the available evidence is currently insufficient to determine the role of this variant in disease. Therefore, it has been classified as a Variant of Uncertain Significance.